The following is an entry in ClinVar:

NM_001540.5(HSPB1):c.89A>C (p.Asp30Ala)

Gene: HSPB1 (heat shock protein family B (small) member 1; plus strand). Cytogenetic location: 7q11.23.
Variant type: single nucleotide variant.
Coding change: c.89A>C on transcript NM_001540.5 (MANE Select); coding-DNA position 89, A replaced by C.
Protein change: p.Asp30Ala; replaces aspartic acid 30 with alanine.
Molecular consequence: missense variant.
Genome position (GRCh38, 1-based): chr7:76,302,801, A>C. VCF-style: chr7-76302801-A-C. GRCh37 (hg19) VCF-style: chr7-75932118-A-C.
Other names: short protein forms D30A.
Identifiers: ClinVar variation 862918 (VCV000862918.9), dbSNP rs771709777, ClinGen allele CA4306251.

ClinVar aggregate classification (germline): Uncertain significance (1 of 4 stars; one submission).

Conditions:
Charcot-Marie-Tooth disease axonal type 2F (CMT2F). Also called: Charcot-Marie-Tooth Neuropathy Type 2F; CHARCOT-MARIE-TOOTH DISEASE, NEURONAL, TYPE 2F. Identifiers: Orphanet 99940, MedGen C1847823, MONDO:0011687, OMIM 606595.

Allele frequency attached by ClinVar (database versions not stated): gnomAD exomes below 0.00001; ExAC 0.00001.

Submission:

Labcorp Genetics (formerly Invitae), Labcorp
Classification: Uncertain significance for Charcot-Marie-Tooth disease axonal type 2F. Last evaluated: 2024-09-17. Review status: criteria provided, single submitter. Criteria: Invitae Variant Classification Sherloc (09022015). Collection method: clinical testing. Allele origin: germline.
Comment: This sequence change replaces aspartic acid, which is acidic and polar, with alanine, which is neutral and non-polar, at codon 30 of the HSPB1 protein (p.Asp30Ala). This variant is present in population databases (rs771709777, gnomAD 0.001%). This variant has not been reported in the literature in individuals affected with HSPB1-related conditions. ClinVar contains an entry for this variant (Variation ID: 862918). Invitae Evidence Modeling of protein sequence and biophysical properties (such as structural, functional, and spatial information, amino acid conservation, physicochemical variation, residue mobility, and thermodynamic stability) has been performed for this missense variant. However, the output from this modeling did not meet the statistical confidence thresholds required to predict the impact of this variant on HSPB1 protein function. In summary, the available evidence is currently insufficient to determine the role of this variant in disease. Therefore, it has been classified as a Variant of Uncertain Significance.